The following is an entry in ClinVar:

NM_001146312.3(MYOCD):c.1300C>T (p.Gln434Ter)

Gene: MYOCD (myocardin; plus strand). Cytogenetic location: 17p12.
Variant type: single nucleotide variant.
Coding change: c.1300C>T on transcript NM_001146312.3 (MANE Select); coding-DNA position 1300, C replaced by T.
Protein change: p.Gln434Ter; replaces glutamine 434 with a stop codon.
Molecular consequence: nonsense.
Genome position (GRCh38, 1-based): chr17:12,752,588, C>T. VCF-style: chr17-12752588-C-T. GRCh37 (hg19) VCF-style: chr17-12655905-C-T.
Other names: c.1063C>T, p.Gln355Ter (NM_001378306.1); c.1300C>T, p.Gln434Ter (NM_153604.4); short protein forms Q355*, Q434*.
Identifiers: ClinVar variation 4850867 (VCV004850867.1).
Genomic context (GRCh38, chr17:12,752,588, plus strand): 5'-AACTTTGGGGATATAACGACTGTCACTTTTCCTGTCACACCCAACACGCTGCCCAATTAC[C>T]AGTCTTCCTCTTCTACCAGTGCCCTGTCCAACGGCTTCTACCACTTTGGCAGCACCAGCT-3'

ClinVar aggregate classification (germline): Pathogenic (1 of 4 stars; one submission).

Conditions:
Megabladder, congenital. Identifiers: MedGen C5231472, MONDO:0032879, OMIM 618719.

gnomAD v4.1: 1 of 1,614,142 alleles (0.000062%); highest among the groups gnomAD compares: Non-Finnish European, 0.000085%; no homozygotes.

Submission:

Department of Medical Genetics, International Peace Maternity and Child Health Hospital, Shanghai Jiao Tong University School of Medicine
Classification: Pathogenic for Megabladder, congenital. Last evaluated: 2026-05-01. Review status: criteria provided, single submitter. Criteria: ACMG Guidelines, 2015. Collection method: research. Allele origin: germline. Affected: yes.
Comment: This sequence change creates a premature translational stop signal p.(Gln434Ter) in the MYOCD gene. This alteration is expected to result in loss of function by premature protein truncation or nonsense-mediated mRNA decay. Loss-of-function variants in MYOCD are known to be pathogenic (PMID: 31513549) (PVS1). This sequence change has been described in the gnomAD database in one individual, which corresponds to an overall population frequency of 0.000062% (PM2_Sup). This variant co-segregated with the disease in the family (internal data) (PP1). For these reasons, this variant has been classified as Pathogenic.

Literature cited by the submitters: PubMed 31513549.